The following is an entry in ClinVar:

ClinVar aggregate classification (germline): Uncertain significance. Review status: criteria provided, multiple submitters, no conflicts (2 of 4 stars). 4 submissions from 4 submitters: Uncertain significance (4). Last evaluated 2026-02-11.

Conditions:
Hereditary cancer-predisposing syndrome. Also called: Neoplastic Syndromes, Hereditary; Hereditary neoplastic syndrome; Hereditary Cancer Syndrome; Tumor predisposition. Identifiers: Orphanet 140162, MedGen C0027672, MeSH D009386, MONDO:0015356.
POLD1-related polyposis and colorectal cancer syndrome (CRCS10). Also called: Colorectal cancer, susceptibility to, 10; Colorectal cancer 10; COLORECTAL CANCER, SUSCEPTIBILITY TO, ON CHROMOSOME 19q. Identifiers: Orphanet 220460, MedGen C2675481, MONDO:0012953, OMIM 612591.

Allele frequency attached by ClinVar (database versions not stated): gnomAD 0.00002 and 0.00003; TOPMed 0.00003; ESP Exome Variant Server 0.00008; 1000 Genomes Project 0.00020; 1000 Genomes Project 30x 0.00031.
gnomAD v4.1: 46 of 1,607,372 alleles (0.0029%); highest among the groups gnomAD compares: South Asian, 0.019%; no homozygotes.

Submissions (4):

St. Jude Molecular Pathology, St. Jude Children's Research Hospital
Classification: Uncertain significance for POLD1-related polyposis and colorectal cancer syndrome. Last evaluated: 2026-02-11. Review status: criteria provided, single submitter. Criteria: St. Jude Assertion Criteria 2020. Collection method: clinical testing. Allele origin: germline.
Comment: The POLD1 c.665C>T p.(Pro222Leu) missense change has a maximum subpopulation frequency of 0.02% in gnomAD v2.1.1. The in silico tool REVEL predicts a benign effect on protein function, but to our knowledge this prediction has not been confirmed by functional studies. To our knowledge, this variant has not been reported in individuals with POLD1-related disease. In summary, the evidence currently available is insufficient to determine the clinical significance of this variant. It has therefore been classified as of uncertain significance.

Labcorp Genetics (formerly Invitae), Labcorp
Classification: Uncertain significance for POLD1-related polyposis and colorectal cancer syndrome. Last evaluated: 2025-11-22. Review status: criteria provided, single submitter. Criteria: Invitae Variant Classification Sherloc (09022015). Collection method: clinical testing. Allele origin: germline.
Comment: This sequence change replaces proline, which is neutral and non-polar, with leucine, which is neutral and non-polar, at codon 222 of the POLD1 protein (p.Pro222Leu). This variant is present in population databases (rs368940099, gnomAD 0.02%). This variant has not been reported in the literature in individuals affected with POLD1-related conditions. ClinVar contains an entry for this variant (Variation ID: 408023). Invitae Evidence Modeling of protein sequence and biophysical properties (such as structural, functional, and spatial information, amino acid conservation, physicochemical variation, residue mobility, and thermodynamic stability) indicates that this missense variant is not expected to disrupt POLD1 protein function with a negative predictive value of 80%. In summary, the available evidence is currently insufficient to determine the role of this variant in disease. Therefore, it has been classified as a Variant of Uncertain Significance.

Ambry Genetics
Classification: Uncertain significance for Hereditary cancer-predisposing syndrome. Last evaluated: 2025-11-19. Review status: criteria provided, single submitter. Criteria: Ambry Variant Classification Scheme 2023. Collection method: clinical testing. Allele origin: germline.

GeneDx
Classification: Uncertain significance. Last evaluated: 2024-05-08. Review status: criteria provided, single submitter. Criteria: GeneDx Variant Classification Process June 2021. Collection method: clinical testing. Allele origin: germline. Affected: yes.
Comment: In silico analysis supports that this missense variant has a deleterious effect on protein structure/function; Has not been previously published as pathogenic or benign to our knowledge; This variant is associated with the following publications: (PMID: 25957691)

NM_002691.4(POLD1):c.665C>T (p.Pro222Leu)

Gene: POLD1 (DNA polymerase delta 1, catalytic subunit; plus strand). Cytogenetic location: 19q13.33.
Variant type: single nucleotide variant.
Coding change: c.665C>T on transcript NM_002691.4 (MANE Select); coding-DNA position 665, C replaced by T.
Protein change: p.Pro222Leu; replaces proline 222 with leucine.
Molecular consequence: missense variant. On other transcripts: non-coding transcript variant (1).
Genome position (GRCh38, 1-based): chr19:50,402,280, C>T. VCF-style: chr19-50402280-C-T. GRCh37 (hg19) VCF-style: chr19-50905537-C-T.
Other names: c.665C>T, p.Pro222Leu (NM_001256849.1, NM_001308632.1); short protein forms P222L.
Identifiers: ClinVar variation 408023 (VCV000408023.21), dbSNP rs368940099, ClinGen allele CA9595857.